The following continues an entry in ClinVar:

NM_000238.4(KCNH2):c.1459G>A (p.Gly487Ser)

Gene: KCNH2. ClinVar aggregate classification (germline): Conflicting classifications of pathogenicity. Uncertain significance (9); Likely benign (1).

Submissions 10 to 11 of 11:

GeneDx
Classification: Uncertain significance. Last evaluated: 2015-08-17. Review status: criteria provided, single submitter. Criteria: GeneDx Variant Classification (06012015). Collection method: clinical testing. Allele origin: germline. Affected: yes.
Comment: p.Gly487Ser (GGC>AGC): c.1459 G>A in exon 6 of the KCNH2 (aka HERG) gene (NM_000238.2)The Gly487Ser variant in the KCNH2 gene has not been reported as a disease-causing mutation or as a benign polymorphism to our knowledge. Gly487Ser results in a non-conservative amino acid substitution of a non-polar Glycine with a polar Serine at a position that is conserved across species. In silico analysis predicts Gly487Ser is probably damaging to the protein structure/function. Mutations in nearby residues (Ile489Phe, Ala490Thr, Ala490Pro, His492Tyr) have been reported in association with LQTS, supporting the functional importance of this region of the protein. Also, the Gly487Ser variant was not observed in approximately 6,500 individuals of European and African American ancestry in the NHLBI Exome Sequencing Project, indicating it is not a common benign variant in these populations.With the clinical and molecular information available at this time, we cannot definitively determine if Gly487Ser is a disease-causing mutation or a rare benign variant. The variant is found in LQT panel(s).

Department of Pathology and Laboratory Medicine, Sinai Health System
Classification: Uncertain significance. Review status: no assertion criteria provided. Collection method: clinical testing. Allele origin: unknown. Affected: yes. Study: The Canadian Open Genetics Repository (COGR). Not counted in ClinVar's aggregate classification.
Comment: The KCNH2 p.Gly147Ser variant was identified in 1 of 84 proband chromosomes (frequency: 0.012) from individuals with sudden unexpected death (Suktitipat_2017_PMID:28704380). The variant was also identified in dbSNP (ID: rs562875924) and ClinVar (classified as uncertain significance by Invitae and GeneDx). The variant was identified in control databases in 24 of 282842 chromosomes at a frequency of 0.00008485 (Genome Aggregation Database March 6, 2019, v2.1.1). The variant was observed in the following populations: Ashkenazi Jewish in 7 of 10370 chromosomes (freq: 0.000675), South Asian in 7 of 30616 chromosomes (freq: 0.000229), African in 5 of 24954 chromosomes (freq: 0.0002), Other in 1 of 7220 chromosomes (freq: 0.000139), Latino in 1 of 35436 chromosomes (freq: 0.000028) and European (non-Finnish) in 3 of 129172 chromosomes (freq: 0.000023), but was not observed in the East Asian or European (Finnish) populations. The p.Gly147 residue is conserved in mammals but not in more distantly related organisms however four out of five computational analyses (PolyPhen-2, SIFT, AlignGVGD, BLOSUM, MutationTaster) do not suggest a high likelihood of impact to the protein; this information is not predictive enough to rule out pathogenicity. The variant occurs outside of the splicing consensus sequence and in silico or computational prediction software programs (SpliceSiteFinder, MaxEntScan, NNSPLICE, GeneSplicer) do not predict a difference in splicing. In summary, based on the above information the clinical significance of this variant cannot be determined with certainty at this time. This variant is classified as a variant of uncertain significance.

Literature cited by the submitters: PubMed 28606196 (cited by 5 submitters); PubMed 30327538 (cited by 3 submitters); PubMed 28704380 (cited by 5 submitters); PubMed 10753933 (cited by Victorian Clinical Genetics Services, Murdoch Childrens Research Institute); PubMed 20301308 (cited by Victorian Clinical Genetics Services, Murdoch Childrens Research Institute); PubMed 21777565 (cited by Victorian Clinical Genetics Services, Murdoch Childrens Research Institute); PubMed 22764740 (cited by Victorian Clinical Genetics Services, Murdoch Childrens Research Institute); PubMed 25947924 (cited by Victorian Clinical Genetics Services, Murdoch Childrens Research Institute); PubMed 26746457 (cited by 3 submitters); PubMed 29192238 (cited by Victorian Clinical Genetics Services, Murdoch Childrens Research Institute and Ambry Genetics); PubMed 31696929 (cited by Victorian Clinical Genetics Services, Murdoch Childrens Research Institute); PubMed 35688147 (cited by Victorian Clinical Genetics Services, Murdoch Childrens Research Institute).